The following is an entry in ClinVar:

ClinVar aggregate classification (germline): Conflicting classifications of pathogenicity. Review status: criteria provided, conflicting classifications (1 of 4 stars). 2 submissions from 2 submitters: Uncertain significance (1); Likely benign (1). Last evaluated 2025-10-24.

Conditions:
Inborn genetic diseases. Identifiers: MedGen C0950123, MeSH D030342.

Allele frequency attached by ClinVar (database versions not stated): ExAC 0.00019; gnomAD exomes 0.00002; gnomAD 0.00003; TOPMed 0.00003; 1000 Genomes Project 30x 0.00016.
gnomAD v4.1: 25 of 1,525,918 alleles (0.0016%); highest among the groups gnomAD compares: Admixed American, 0.049%; no homozygotes.

Submissions (2):

Labcorp Genetics (formerly Invitae), Labcorp
Classification: Uncertain significance. Last evaluated: 2025-10-24. Review status: criteria provided, single submitter. Criteria: Invitae Variant Classification Sherloc (09022015). Collection method: clinical testing. Allele origin: germline.
Comment: This sequence change replaces threonine, which is neutral and polar, with alanine, which is neutral and non-polar, at codon 88 of the KDM1A protein (p.Thr88Ala). This variant is present in population databases (rs752275854, gnomAD 0.07%), and has an allele count higher than expected for a pathogenic variant. This variant has not been reported in the literature in individuals affected with KDM1A-related conditions. ClinVar contains an entry for this variant (Variation ID: 1973699). An algorithm developed to predict the effect of missense changes on protein structure and function outputs the following: PolyPhen-2: "Benign". The alanine amino acid residue is found in multiple mammalian species, which suggests that this missense change does not adversely affect protein function. In summary, the available evidence is currently insufficient to determine the role of this variant in disease. Therefore, it has been classified as a Variant of Uncertain Significance.

Ambry Genetics
Classification: Likely benign for Inborn genetic diseases. Last evaluated: 2024-11-23. Review status: criteria provided, single submitter. Criteria: Ambry Variant Classification Scheme 2023. Collection method: clinical testing. Allele origin: germline.

NM_001009999.3(KDM1A):c.262A>G (p.Thr88Ala)

Gene: KDM1A (lysine demethylase 1A; plus strand). Cytogenetic location: 1p36.12.
Variant type: single nucleotide variant.
Coding change: c.262A>G on transcript NM_001009999.3 (MANE Select); coding-DNA position 262, A replaced by G.
Protein change: p.Thr88Ala; replaces threonine 88 with alanine.
Molecular consequence: missense variant.
Genome position (GRCh38, 1-based): chr1:23,019,858, A>G. VCF-style: chr1-23019858-A-G. GRCh37 (hg19) VCF-style: chr1-23346351-A-G.
Other names: c.262A>G, p.Thr88Ala (NM_001363654.2, NM_001410762.1, NM_001410763.1 and 1 more transcripts); short protein forms T88A.
Identifiers: ClinVar variation 1973699 (VCV001973699.7), dbSNP rs752275854, ClinGen allele CA679418.